The following is an entry in ClinVar:

NM_001385012.1(NBEA):c.1092T>C (p.Asp364=)

Gene: NBEA (neurobeachin; plus strand). Cytogenetic location: 13q13.3.
Variant type: single nucleotide variant.
Coding change: c.1092T>C on transcript NM_001385012.1 (MANE Select); coding-DNA position 1092, T replaced by C.
Protein change: p.Asp364=; no amino-acid change (aspartic acid 364 retained).
Molecular consequence: synonymous variant.
Genome position (GRCh38, 1-based): chr13:35,056,129, T>C. VCF-style: chr13-35056129-T-C. GRCh37 (hg19) VCF-style: chr13-35630266-T-C.
Other names: c.1092T>C, p.Asp364= (NM_001379245.1, NM_015678.5).
Identifiers: ClinVar variation 3904986 (VCV003904986.11).

ClinVar aggregate classification (germline): Likely benign. Review status: criteria provided, multiple submitters, no conflicts (2 of 4 stars). 2 submissions from 2 submitters: Likely benign (2). Last evaluated 2025-06-01.

gnomAD v4.1: 329 of 1,579,536 alleles (0.021%); highest among the groups gnomAD compares: South Asian, 0.37%; 3 homozygotes.

Submissions (2):

CeGaT Center for Human Genetics Tuebingen
Classification: Likely benign. Last evaluated: 2025-06-01. Review status: criteria provided, single submitter. Criteria: CeGaT Center For Human Genetics Tuebingen Variant Classification Criteria Version 2. Collection method: clinical testing. Allele origin: germline. Affected: yes. Observed: 1 variant allele.
Comment: NBEA: BP4, BP7

Blueprint Genetics
Classification: Likely benign. Last evaluated: 2023-03-08. Review status: criteria provided, single submitter. Criteria: ACMG Guidelines, 2015. Collection method: clinical testing. Allele origin: germline.